The following is an entry in ClinVar:

NM_203288.2(RP9):c.152T>C (p.Phe51Ser)

Genes: RP9 (RP9 pre-mRNA splicing factor; minus strand), LOC129998224 (ATAC-STARR-seq lymphoblastoid silent region 18089; plus strand). Cytogenetic location: 7p14.3.
Variant type: single nucleotide variant.
Coding change: c.152T>C on transcript NM_203288.2 (MANE Select); coding-DNA position 152, T replaced by C.
Protein change: p.Phe51Ser; replaces phenylalanine 51 with serine.
Molecular consequence: missense variant.
Genome position (GRCh38, 1-based): chr7:33,109,221, A>G on the plus strand (T>C on the coding strand, the complement: RP9 is on the minus strand). VCF-style: chr7-33109221-A-G. GRCh37 (hg19) VCF-style: chr7-33148833-A-G.
Other names: short protein forms F51S.
Identifiers: ClinVar variation 1315203 (VCV001315203.2), dbSNP rs2128034558, ClinGen allele CA367185164.

ClinVar aggregate classification (germline): Uncertain significance (1 of 4 stars; one submission).

Submission:

GeneDx
Classification: Uncertain significance. Last evaluated: 2020-02-24. Review status: criteria provided, single submitter. Criteria: GeneDx Variant Classification Process June 2021. Collection method: clinical testing. Allele origin: germline. Affected: yes.
Comment: Not observed in large population cohorts (Lek et al., 2016); In silico analysis supports that this missense variant has a deleterious effect on protein structure/function; Has not been previously published as pathogenic or benign to our knowledge